The following is an entry in ClinVar:

ClinVar aggregate classification (germline): Conflicting classifications of pathogenicity. Review status: criteria provided, conflicting classifications (1 of 4 stars). 2 submissions from 2 submitters: Uncertain significance (1); Likely benign (1). Last evaluated 2025-08-26.

Allele frequency attached by ClinVar (database versions not stated): ExAC 0.00003; TOPMed 0.00006; 1000 Genomes Project 30x 0.00016; 1000 Genomes Project 0.00020.
gnomAD v4.1: 37 of 1,614,012 alleles (0.0023%); highest among the groups gnomAD compares: African/African-American, 0.032%; 1 homozygote.

Submissions (2):

Ambry Genetics
Classification: Likely benign. Last evaluated: 2025-08-26. Review status: criteria provided, single submitter. Criteria: Ambry Variant Classification Scheme 2023. Collection method: clinical testing. Allele origin: germline.

Labcorp Genetics (formerly Invitae), Labcorp
Classification: Uncertain significance. Last evaluated: 2024-02-05. Review status: criteria provided, single submitter. Criteria: Invitae Variant Classification Sherloc (09022015). Collection method: clinical testing. Allele origin: germline.
Comment: This sequence change replaces arginine, which is basic and polar, with tryptophan, which is neutral and slightly polar, at codon 1215 of the KANK1 protein (p.Arg1215Trp). This variant is present in population databases (rs550641108, gnomAD 0.02%). This variant has not been reported in the literature in individuals affected with KANK1-related conditions. ClinVar contains an entry for this variant (Variation ID: 2413733). Advanced modeling of protein sequence and biophysical properties (such as structural, functional, and spatial information, amino acid conservation, physicochemical variation, residue mobility, and thermodynamic stability) has been performed at Invitae for this missense variant, however the output from this modeling did not meet the statistical confidence thresholds required to predict the impact of this variant on KANK1 protein function. In summary, the available evidence is currently insufficient to determine the role of this variant in disease. Therefore, it has been classified as a Variant of Uncertain Significance.

NM_015158.5(KANK1):c.3643C>T (p.Arg1215Trp)

Gene: KANK1 (KN motif and ankyrin repeat domains 1; plus strand). Cytogenetic location: 9p24.3.
Variant type: single nucleotide variant.
Coding change: c.3643C>T on transcript NM_015158.5 (MANE Select); coding-DNA position 3643, C replaced by T.
Protein change: p.Arg1215Trp; replaces arginine 1215 with tryptophan.
Molecular consequence: missense variant. On other transcripts: non-coding transcript variant (1).
Genome position (GRCh38, 1-based): chr9:740,881, C>T. VCF-style: chr9-740881-C-T. GRCh37 (hg19) VCF-style: chr9-740881-C-T.
Other names: c.3643C>T (NM_015158.2); c.3643C>T, p.Arg1215Trp (NM_001256876.3, NM_001256877.3, NM_001354334.2); c.3403C>T, p.Arg1135Trp (NM_001354331.2); c.3589C>T, p.Arg1197Trp (NM_001354332.2); c.3169C>T, p.Arg1057Trp (NM_001354333.2, NM_001354335.2, NM_001354337.2 and 2 more transcripts); c.2875C>T, p.Arg959Trp (NM_001354336.2); c.3115C>T, p.Arg1039Trp (NM_001354338.2, NM_001354340.2, NM_001354344.2); c.2929C>T, p.Arg977Trp (NM_001354339.2, NM_001354342.2, NM_001354343.2); short protein forms R1039W, R1057W, R1135W, R1197W, R1215W, R959W, R977W.
Identifiers: ClinVar variation 2413733 (VCV002413733.7), dbSNP rs550641108, ClinGen allele CA4961080.